The following is an entry in ClinVar:

NM_000138.5(FBN1):c.6617-8T>A

Gene: FBN1 (fibrillin 1; minus strand). Cytogenetic location: 15q21.1.
Variant type: single nucleotide variant.
Coding change: c.6617-8T>A on transcript NM_000138.5 (MANE Select); 8 bases into the intron before coding-DNA position 6617, T replaced by A.
Molecular consequence: intron variant.
Genome position (GRCh38, 1-based): chr15:48,432,996, A>T on the plus strand (T>A on the coding strand, the complement: FBN1 is on the minus strand). VCF-style: chr15-48432996-A-T. GRCh37 (hg19) VCF-style: chr15-48725193-A-T.
Other names: c.6617-8T>A (NM_001406716.1).
Identifiers: ClinVar variation 3769625 (VCV003769625.1).

ClinVar aggregate classification (germline): Uncertain significance (1 of 4 stars; one submission).

Conditions:
Marfan syndrome (MFS). Also called: MARFAN SYNDROME, TYPE I; Marfan syndrome type 1; Marfan's syndrome; Marfan syndrome, classic; FBN1-Related Marfan Syndrome. Identifiers: Orphanet 284963, Orphanet 558, MedGen C0024796, MONDO:0007947, OMIM 154700.

gnomAD v4.1: 1 of 1,613,136 alleles (0.000062%); highest among the groups gnomAD compares: Non-Finnish European, 0.000085%; no homozygotes.

Submission:

Clinical and Biomedical Sciences, University of Exeter
Classification: Uncertain significance for Marfan syndrome. Last evaluated: 2025-02-28. Review status: criteria provided, single submitter. Criteria: ACMG Guidelines, 2015. Collection method: research. Allele origin: germline. Affected: yes. Study: 100,000 Genomes Project.
Comment: RT-PCR from blood shows creation of novel splice acceptor with in-frame insertion of 2 amino acids, r.6616_6617inscugcag p.(Glu2205_Asp2206insAlaAla).